The following is an entry in ClinVar:

ClinVar aggregate classification (germline): Uncertain significance (1 of 4 stars; one submission).

Conditions:
Congenital myopathy with internal nuclei and atypical cores. Also called: Myopathy, centronuclear, 4. Identifiers: Orphanet 319160, MedGen C4707232, MONDO:0013890, OMIM 614807.

gnomAD v4.1: 3 of 1,603,994 alleles (0.00019%); highest among the groups gnomAD compares: Admixed American, 0.0017%; no homozygotes.

Submission:

Labcorp Genetics (formerly Invitae), Labcorp
Classification: Uncertain significance for Congenital myopathy with internal nuclei and atypical cores. Last evaluated: 2023-09-17. Review status: criteria provided, single submitter. Criteria: Invitae Variant Classification Sherloc (09022015). Collection method: clinical testing. Allele origin: germline.
Comment: Advanced modeling of protein sequence and biophysical properties (such as structural, functional, and spatial information, amino acid conservation, physicochemical variation, residue mobility, and thermodynamic stability) performed at Invitae indicates that this missense variant is not expected to disrupt CCDC78 protein function. In summary, the available evidence is currently insufficient to determine the role of this variant in disease. Therefore, it has been classified as a Variant of Uncertain Significance. ClinVar contains an entry for this variant (Variation ID: 1350786). This variant has not been reported in the literature in individuals affected with CCDC78-related conditions. The frequency data for this variant in the population databases is considered unreliable, as metrics indicate poor data quality at this position in the gnomAD database. This sequence change replaces valine, which is neutral and non-polar, with leucine, which is neutral and non-polar, at codon 339 of the CCDC78 protein (p.Val339Leu).

NM_001378030.1(CCDC78):c.1015G>T (p.Val339Leu)

Gene: CCDC78 (coiled-coil domain containing 78; minus strand). Cytogenetic location: 16p13.3.
Variant type: single nucleotide variant.
Coding change: c.1015G>T on transcript NM_001378030.1 (MANE Select); coding-DNA position 1015, G replaced by T.
Protein change: p.Val339Leu; replaces valine 339 with leucine.
Molecular consequence: missense variant. On other transcripts: non-coding transcript variant (5), intron variant (1).
Genome position (GRCh38, 1-based): chr16:724,144, C>A on the plus strand (G>T on the coding strand, the complement: CCDC78 is on the minus strand). VCF-style: chr16-724144-C-A. GRCh37 (hg19) VCF-style: chr16-774144-C-A.
Other names: c.1015G>T, p.Val339Leu (NM_001031737.3); c.448G>T, p.Val150Leu (NM_001378033.1); c.953+178G>T (NM_001378031.1); short protein forms V339L, V150L.
Identifiers: ClinVar variation 1350786 (VCV001350786.6), dbSNP rs759037918, ClinGen allele CA394098895.